The following is an entry in ClinVar:

NM_015602.4(TOR1AIP1):c.20G>A (p.Arg7Gln)

Genes: TOR1AIP1 (torsin 1A interacting protein 1; plus strand), LOC112577517 (Sharpr-MPRA regulatory region 13766; plus strand). Cytogenetic location: 1q25.2.
Variant type: single nucleotide variant.
Coding change: c.20G>A on transcript NM_015602.4 (MANE Select); coding-DNA position 20, G replaced by A.
Protein change: p.Arg7Gln; replaces arginine 7 with glutamine.
Molecular consequence: missense variant.
Genome position (GRCh38, 1-based): chr1:179,882,522, G>A. VCF-style: chr1-179882522-G-A. GRCh37 (hg19) VCF-style: chr1-179851657-G-A.
Other names: c.20G>A, p.Arg7Gln (NM_001267578.2); short protein forms R7Q.
Identifiers: ClinVar variation 863059 (VCV000863059.7), dbSNP rs1647735292, ClinGen allele CA343577492.
Genomic context (GRCh38, chr1:179,882,522, plus strand): 5'-TAAAGCCATCTTCGCGATCGACTAAAGCTACGTCAACAACTATGGCGGGCGACGGGCGGC[G>A]GGCAGAGGCGGTGCGGGAAGGATGGGGTGTGTACGTCACCCCCAGGGCCCCCATCCGAGA-3'
Protein context (NP_056417.2, residues 1-17): MAGDGR[Arg7Gln]AEAVREGWGV

ClinVar aggregate classification (germline): Uncertain significance (1 of 4 stars; one submission).

Conditions:
Autosomal recessive limb-girdle muscular dystrophy type 2Y (MRRSDC). Also called: Muscular dystrophy, limb-girdle, type 2y; Muscular dystrophy, autosomal recessive, with rigid spine and distal joint contractures. Identifiers: Orphanet 424261, MedGen C4511482, MONDO:0014900, OMIM 617072.

gnomAD v4.1: 5 of 1,458,766 alleles (0.00034%); highest among the groups gnomAD compares: South Asian, 0.0059%; no homozygotes.

Submission:

Labcorp Genetics (formerly Invitae), Labcorp
Classification: Uncertain significance for Autosomal recessive limb-girdle muscular dystrophy type 2Y. Last evaluated: 2019-04-25. Review status: criteria provided, single submitter. Criteria: Invitae Variant Classification Sherloc (09022015). Collection method: clinical testing. Allele origin: germline.
Comment: The frequency data for this variant in the population databases is considered unreliable, as metrics indicate insufficient coverage at this position in the ExAC database. This sequence change replaces arginine with glutamine at codon 7 of the TOR1AIP1 protein (p.Arg7Gln). The arginine residue is weakly conserved and there is a small physicochemical difference between arginine and glutamine. This variant has not been reported in the literature in individuals with TOR1AIP1-related conditions. Algorithms developed to predict the effect of missense changes on protein structure and function output the following: SIFT: "Deleterious"; PolyPhen-2: "Benign"; Align-GVGD: "Class C0". The glutamine amino acid residue is found in multiple mammalian species, suggesting that this missense change does not adversely affect protein function. These predictions have not been confirmed by published functional studies and their clinical significance is uncertain. In summary, the available evidence is currently insufficient to determine the role of this variant in disease. Therefore, it has been classified as a Variant of Uncertain Significance.